The following is an entry in ClinVar:

ClinVar aggregate classification (germline): Uncertain significance. Review status: criteria provided, multiple submitters, no conflicts (2 of 4 stars). 4 submissions from 4 submitters: Uncertain significance (4). Last evaluated 2024-07-08.

Conditions:
Polymicrogyria with or without vascular-type Ehlers-Danlos syndrome. Identifiers: Orphanet 636941, MedGen C5193040, MONDO:0032688, OMIM 618343.
Ehlers-Danlos syndrome, type 4 (EDSVASC). Also called: Ehlers-Danlos syndrome vascular type; Ehlers Danlos syndrome, ecchymotic type; Ehlers Danlos syndrome, arterial type; Ehlers Danlos syndrome, Sack-Barabas type; Ehlers-Danlos Syndrome Type IV. Identifiers: Orphanet 286, MedGen C0268338, MONDO:0017314, OMIM 130050.
Familial thoracic aortic aneurysm and aortic dissection (TAAD). Also called: Thoracic aortic aneurysms and dissections. Identifiers: Orphanet 91387, MedGen C4707243, MONDO:0019625.

Allele frequency attached by ClinVar (database versions not stated): gnomAD exomes below 0.00001; TOPMed 0.00001.
gnomAD v4.1: 1 of 1,591,260 alleles (0.000063%); highest among the groups gnomAD compares: Non-Finnish European, 0.000086%; no homozygotes.

Submissions (4):

Labcorp Genetics (formerly Invitae), Labcorp
Classification: Uncertain significance for Ehlers-Danlos syndrome, type 4. Last evaluated: 2024-07-08. Review status: criteria provided, single submitter. Criteria: Invitae Variant Classification Sherloc (09022015). Collection method: clinical testing. Allele origin: germline.
Comment: This sequence change replaces valine, which is neutral and non-polar, with alanine, which is neutral and non-polar, at codon 976 of the COL3A1 protein (p.Val976Ala). This variant is not present in population databases (gnomAD no frequency). This missense change has been observed in individual(s) with spontaneous coronary artery dissection or cardiomyopathy (PMID: 29650765, 32009526). ClinVar contains an entry for this variant (Variation ID: 263828). Advanced modeling of protein sequence and biophysical properties (such as structural, functional, and spatial information, amino acid conservation, physicochemical variation, residue mobility, and thermodynamic stability) performed at Invitae indicates that this missense variant is not expected to disrupt COL3A1 protein function with a negative predictive value of 95%. In summary, the available evidence is currently insufficient to determine the role of this variant in disease. Therefore, it has been classified as a Variant of Uncertain Significance.

Color Diagnostics, LLC DBA Color Health
Classification: Uncertain significance for Familial thoracic aortic aneurysm and aortic dissection. Last evaluated: 2024-06-04. Review status: criteria provided, single submitter. Criteria: ACMG Guidelines, 2015. Collection method: clinical testing. Allele origin: germline.
Comment: This missense variant replaces valine with alanine at codon 976 of the COL3A1 protein. Computational prediction tools indicate that this variant has a neutral impact on protein structure and function. To our knowledge, functional studies have not been reported for this variant. This variant has been reported in one individual affected with spontaneous coronary artery dissection (PMID: 29650765) and in one individual affected with cardiomyopathy (PMID: 32009526). This variant has not been identified in the general population by the Genome Aggregation Database (gnomAD). The available evidence is insufficient to determine the role of this variant in disease conclusively. Therefore, this variant is classified as a Variant of Uncertain Significance.

Ambry Genetics
Classification: Uncertain significance for Familial thoracic aortic aneurysm and aortic dissection. Last evaluated: 2022-08-08. Review status: criteria provided, single submitter. Criteria: Ambry Variant Classification Scheme 2023. Collection method: clinical testing. Allele origin: germline.
Comment: The c.2927T>C (p.V976A) alteration is located in exon 40 (coding exon 40) of the COL3A1 gene. This alteration results from a T to C substitution at nucleotide position 2927, causing the valine (V) at amino acid position 976 to be replaced by an alanine (A). This variant was not reported in population-based cohorts in the Genome Aggregation Database (gnomAD). This alteration was identified in a patient who presented with spontaneous coronary artery dissection (SCAD) and was included in a study to evaluate clinical features, family history, and genes associated with SCAD (Kaadan, 2018). This amino acid position is poorly conserved in available vertebrate species, and alanine is the reference amino acid in other vertebrate species. This alteration is predicted to be tolerated by in silico analysis. Based on insufficient or conflicting evidence, the clinical significance of this alteration remains unclear.

Fulgent Genetics
Classification: Uncertain significance for Ehlers-Danlos syndrome, type 4; Polymicrogyria with or without vascular-type Ehlers-Danlos syndrome. Last evaluated: 2021-09-22. Review status: criteria provided, single submitter. Criteria: ACMG Guidelines, 2015. Collection method: clinical testing. Allele origin: unknown.

Literature cited by the submitters: PubMed 29650765 (cited by 3 submitters); PubMed 32009526 (cited by Labcorp Genetics (formerly Invitae), Labcorp and Color Diagnostics, LLC DBA Color Health).

NM_000090.4(COL3A1):c.2927T>C (p.Val976Ala)

Gene: COL3A1 (collagen type III alpha 1 chain; plus strand). Cytogenetic location: 2q32.2.
Variant type: single nucleotide variant.
Coding change: c.2927T>C on transcript NM_000090.4 (MANE Select); coding-DNA position 2927, T replaced by C.
Protein change: p.Val976Ala; replaces valine 976 with alanine.
Molecular consequence: missense variant.
Genome position (GRCh38, 1-based): chr2:189,004,360, T>C. VCF-style: chr2-189004360-T-C. GRCh37 (hg19) VCF-style: chr2-189869086-T-C.
Other names: short protein forms V976A.
Identifiers: ClinVar variation 263828 (VCV000263828.13), dbSNP rs886038939, ClinGen allele CA10587537.